The following is an entry in ClinVar:

NM_000059.4(BRCA2):c.6902A>G (p.Glu2301Gly)

Gene: BRCA2 (BRCA2 DNA repair associated; plus strand). Cytogenetic location: 13q13.1.
Variant type: single nucleotide variant.
Coding change: c.6902A>G on transcript NM_000059.4 (MANE Select); coding-DNA position 6902, A replaced by G.
Protein change: p.Glu2301Gly; replaces glutamic acid 2301 with glycine.
Molecular consequence: missense variant.
Genome position (GRCh38, 1-based): chr13:32,344,618, A>G. VCF-style: chr13-32344618-A-G. GRCh37 (hg19) VCF-style: chr13-32918755-A-G.
Other names: short protein forms E2301G.
Identifiers: ClinVar variation 1697216 (VCV001697216.1), dbSNP rs2137537213, ClinGen allele CA387792852.

ClinVar aggregate classification (germline): Uncertain significance (0 of 4 stars; one submission).

Conditions:
Chordoma. Identifiers: Orphanet 178, MedGen C0008487, MONDO:0008978, HP:0010762.

Submission:

Integrative Tumor Epidemiology Branch, National Institutes of Health
Classification: Uncertain significance for Chordoma. Last evaluated: 2021-03-22. Review status: no assertion criteria provided. Collection method: research. Allele origin: germline. Affected: yes. Observed: 1 variant allele.
Comment: No impact on ES cell survival or drug sensitivity (no impact on BRCA2 function)